The following is an entry in ClinVar:

ClinVar aggregate classification (germline): Uncertain significance. Review status: criteria provided, multiple submitters, no conflicts (2 of 4 stars). 2 submissions from 2 submitters: Uncertain significance (2). Last evaluated 2025-02-10.

Conditions:
Catecholaminergic polymorphic ventricular tachycardia 1. Also called: RYR2-Related Catecholaminergic Polymorphic Ventricular Tachycardia; VENTRICULAR TACHYCARDIA, CATECHOLAMINERGIC POLYMORPHIC, 1, WITH OR WITHOUT ATRIAL DYSFUNCTION AND/OR DILATED CARDIOMYOPATHY; VENTRICULAR TACHYCARDIA, STRESS-INDUCED POLYMORPHIC 1. Identifiers: Orphanet 3286, MedGen C1631597, MONDO:0011484, OMIM 604772.
Cardiovascular phenotype. Identifiers: MedGen CN230736.

Allele frequency attached by ClinVar (database versions not stated): gnomAD exomes 0.00001 and 0.00003; ExAC 0.00007; TOPMed 0.00007; gnomAD 0.00008 and 0.00011.
gnomAD v4.1: 27 of 1,571,126 alleles (0.0017%); highest among the groups gnomAD compares: African/African-American, 0.03%; 1 homozygote.

Submissions (2):

Ambry Genetics
Classification: Uncertain significance for Cardiovascular phenotype. Last evaluated: 2025-02-10. Review status: criteria provided, single submitter. Criteria: Ambry Variant Classification Scheme 2023. Collection method: clinical testing. Allele origin: germline.
Comment: The p.D122G variant (also known as c.365A>G), located in coding exon 3 of the TRDN gene, results from an A to G substitution at nucleotide position 365. The aspartic acid at codon 122 is replaced by glycine, an amino acid with similar properties. This amino acid position is well conserved on limited sequence alignment. In addition, this alteration is predicted to be tolerated by in silico analysis. Since supporting evidence is limited at this time, the clinical significance of this alteration remains unclear.

Labcorp Genetics (formerly Invitae), Labcorp
Classification: Uncertain significance for Catecholaminergic polymorphic ventricular tachycardia 1. Last evaluated: 2022-03-29. Review status: criteria provided, single submitter. Criteria: Invitae Variant Classification Sherloc (09022015). Collection method: clinical testing. Allele origin: germline.
Comment: This sequence change replaces aspartic acid, which is acidic and polar, with glycine, which is neutral and non-polar, at codon 122 of the TRDN protein (p.Asp122Gly). The frequency data for this variant in the population databases is considered unreliable, as metrics indicate poor data quality at this position in the gnomAD database. This variant has not been reported in the literature in individuals affected with TRDN-related conditions. Algorithms developed to predict the effect of missense changes on protein structure and function are either unavailable or do not agree on the potential impact of this missense change (SIFT: "Deleterious"; PolyPhen-2: "Not Available"; Align-GVGD: "Class C0"). Algorithms developed to predict the effect of sequence changes on RNA splicing suggest that this variant may create or strengthen a splice site. In summary, the available evidence is currently insufficient to determine the role of this variant in disease. Therefore, it has been classified as a Variant of Uncertain Significance.

NM_006073.4(TRDN):c.365A>G (p.Asp122Gly)

Gene: TRDN (triadin; minus strand). Cytogenetic location: 6q22.31.
Variant type: single nucleotide variant.
Coding change: c.365A>G on transcript NM_006073.4 (MANE Select); coding-DNA position 365, A replaced by G.
Protein change: p.Asp122Gly; replaces aspartic acid 122 with glycine.
Molecular consequence: missense variant.
Genome position (GRCh38, 1-based): chr6:123,548,480, T>C on the plus strand (A>G on the coding strand, the complement: TRDN is on the minus strand). VCF-style: chr6-123548480-T-C. GRCh37 (hg19) VCF-style: chr6-123869625-T-C.
Other names: c.365A>G, p.Asp122Gly (NM_001251987.2, NM_001256020.2, NM_001256021.2 and 1 more transcripts); short protein forms D122G.
Identifiers: ClinVar variation 1386801 (VCV001386801.10), dbSNP rs749353413, ClinGen allele CA3984411.